The following is an entry in ClinVar:

NM_001365951.3(KIF1B):c.5224C>T (p.Arg1742Cys)

Gene: KIF1B (kinesin family member 1B; plus strand). Cytogenetic location: 1p36.22.
Variant type: single nucleotide variant.
Coding change: c.5224C>T on transcript NM_001365951.3 (MANE Select); coding-DNA position 5224, C replaced by T.
Protein change: p.Arg1742Cys; replaces arginine 1742 with cysteine.
Molecular consequence: missense variant.
Genome position (GRCh38, 1-based): chr1:10,374,981, C>T. VCF-style: chr1-10374981-C-T. GRCh37 (hg19) VCF-style: chr1-10435039-C-T.
Other names: c.5224C>T, p.Arg1742Cys (NM_001365952.1); c.5086C>T, p.Arg1696Cys (NM_015074.3); short protein forms R1742C, R1696C.
Identifiers: ClinVar variation 1745246 (VCV001745246.3), dbSNP rs200161482, ClinGen allele CA582291.
Genomic context (GRCh38, chr1:10,374,981, plus strand): 5'-TTTGTTGTCGTCCGTCGGCCTTATGTCTTCATCTATAACAGTGACAAAGACCCTGTGGAG[C>T]GTGGAATCATTAACCTGTCCACAGCACAGGTGGAGTACAGTGAGGACCAGCAGGCCATGG-3'
Protein context (NP_001352880.1, residues 1732-1752): IYNSDKDPVE[Arg1742Cys]GIINLSTAQV

ClinVar aggregate classification (germline): Uncertain significance (1 of 4 stars; one submission).

Allele frequency attached by ClinVar (database versions not stated): ExAC 0.00001; gnomAD 0.00001; TOPMed 0.00001.
gnomAD v4.1: 9 of 1,613,964 alleles (0.00056%); highest among the groups gnomAD compares: African/African-American, 0.0013%; no homozygotes.

Submission:

Ambry Genetics
Classification: Uncertain significance. Last evaluated: 2025-10-28. Review status: criteria provided, single submitter. Criteria: Ambry Variant Classification Scheme 2023. Collection method: clinical testing. Allele origin: germline.
Comment: The p.R1696C variant (also known as c.5086C>T), located in coding exon 44 of the KIF1B gene, results from a C to T substitution at nucleotide position 5086. The arginine at codon 1696 is replaced by cysteine, an amino acid with highly dissimilar properties. This amino acid position is highly conserved in available vertebrate species. In addition, the in silico prediction for this alteration is inconclusive. Since supporting evidence is limited at this time, the clinical significance of this alteration remains unclear.